The following is an entry in ClinVar:

ClinVar aggregate classification (germline): Uncertain significance. Review status: criteria provided, multiple submitters, no conflicts (2 of 4 stars). 2 submissions from 2 submitters: Uncertain significance (2). Last evaluated 2022-09-22.

Conditions:
Short-rib thoracic dysplasia 13 with or without polydactyly (SRTD13). Identifiers: Orphanet 474, MedGen C4225378, MONDO:0014577, OMIM 616300.

Allele frequency attached by ClinVar (database versions not stated): gnomAD exomes below 0.00001; ExAC 0.00001; TOPMed 0.00002; gnomAD 0.00009.
gnomAD v4.1: 21 of 1,605,020 alleles (0.0013%); highest among the groups gnomAD compares: Admixed American, 0.026%; no homozygotes.

Submissions (2):

Labcorp Genetics (formerly Invitae), Labcorp
Classification: Uncertain significance for Short-rib thoracic dysplasia 13 with or without polydactyly. Last evaluated: 2022-09-22. Review status: criteria provided, single submitter. Criteria: Invitae Variant Classification Sherloc (09022015). Collection method: clinical testing. Allele origin: germline.
Comment: This sequence change replaces valine, which is neutral and non-polar, with methionine, which is neutral and non-polar, at codon 729 of the CEP120 protein (p.Val729Met). This variant is present in population databases (rs745696466, gnomAD 0.006%). This variant has not been reported in the literature in individuals affected with CEP120-related conditions. Advanced modeling of protein sequence and biophysical properties (such as structural, functional, and spatial information, amino acid conservation, physicochemical variation, residue mobility, and thermodynamic stability) performed at Invitae indicates that this missense variant is not expected to disrupt CEP120 protein function. In summary, the available evidence is currently insufficient to determine the role of this variant in disease. Therefore, it has been classified as a Variant of Uncertain Significance.

Blueprint Genetics
Classification: Uncertain significance. Last evaluated: 2019-01-12. Review status: criteria provided, single submitter. Criteria: ACMG Guidelines, 2015. Collection method: clinical testing. Allele origin: germline.

NM_001375405.1(CEP120):c.2185G>A (p.Val729Met)

Gene: CEP120 (centrosomal protein 120; minus strand). Cytogenetic location: 5q23.2.
Variant type: single nucleotide variant.
Coding change: c.2185G>A on transcript NM_001375405.1 (MANE Select); coding-DNA position 2185, G replaced by A.
Protein change: p.Val729Met; replaces valine 729 with methionine.
Molecular consequence: missense variant. On other transcripts: non-coding transcript variant (1).
Genome position (GRCh38, 1-based): chr5:123,378,347, C>T on the plus strand (G>A on the coding strand, the complement: CEP120 is on the minus strand). VCF-style: chr5-123378347-C-T. GRCh37 (hg19) VCF-style: chr5-122714041-C-T.
Other names: c.2107G>A, p.Val703Met (NM_001166226.2); c.2050G>A, p.Val684Met (NM_001375406.1); c.2185G>A, p.Val729Met (NM_001375407.1, NM_153223.4); c.1612G>A, p.Val538Met (NM_001375408.1, NM_001375409.1); short protein forms V538M, V703M, V684M, V729M.
Identifiers: ClinVar variation 1976697 (VCV001976697.3), dbSNP rs745696466, ClinGen allele CA3386724.